The following is an entry in ClinVar:

ClinVar aggregate classification (germline): Uncertain significance. Review status: criteria provided, multiple submitters, no conflicts (2 of 4 stars). 2 submissions from 2 submitters: Uncertain significance (2). Last evaluated 2024-11-21.

Conditions:
Familial Mediterranean fever (FMF). Also called: POLYSEROSITIS, FAMILIAL PAROXYSMAL; POLYSEROSITIS, RECURRENT; Periodic peritonitis; Benign paroxysmal peritonitis. Identifiers: Orphanet 342, MedGen C0031069, MONDO:0018088, OMIM 249100. Disease mechanism: gain of function.

Allele frequency attached by ClinVar (database versions not stated): 1000 Genomes Project 30x 0.00016; TOPMed 0.00017; 1000 Genomes Project 0.00020; gnomAD 0.00029.

Submissions (2):

Blueprint Genetics
Classification: Uncertain significance. Last evaluated: 2024-11-21. Review status: criteria provided, single submitter. Criteria: ACMG Guidelines, 2015. Collection method: clinical testing. Allele origin: germline.

Labcorp Genetics (formerly Invitae), Labcorp
Classification: Uncertain significance for Familial Mediterranean fever. Last evaluated: 2022-04-13. Review status: criteria provided, single submitter. Criteria: Invitae Variant Classification Sherloc (09022015). Collection method: clinical testing. Allele origin: germline.
Comment: This variant occurs in a non-coding region of the MEFV gene. It does not change the encoded amino acid sequence of the MEFV protein. This variant is present in population databases (rs193220322, gnomAD 0.06%). This variant has been observed in individual(s) with familial Mediterranean fever (PMID: 32853466). Experimental studies and prediction algorithms are not available or were not evaluated, and the functional significance of this variant is currently unknown. In summary, the available evidence is currently insufficient to determine the role of this variant in disease. Therefore, it has been classified as a Variant of Uncertain Significance.

Literature cited by the submitters: PubMed 32853466 (cited by Labcorp Genetics (formerly Invitae), Labcorp).

NC_000016.10:g.3256984G>C

Gene: MEFV (MEFV innate immunity regulator, pyrin; minus strand). Cytogenetic location: 16p13.3.
Variant type: single nucleotide variant.
Genome position: GRCh38 VCF-style: chr16-3256984-G-C. GRCh37 (hg19) VCF-style: chr16-3306984-G-C.
Identifiers: ClinVar variation 2195215 (VCV002195215.3), dbSNP rs193220322, ClinGen allele CA276904861.